The following is an entry in ClinVar:

ClinVar aggregate classification (germline): Conflicting classifications of pathogenicity. Review status: criteria provided, conflicting classifications (1 of 4 stars). 3 submissions from 3 submitters: Uncertain significance (2); Benign (1). Last evaluated 2025-11-12.

Conditions:
Hereditary cancer-predisposing syndrome. Also called: Neoplastic Syndromes, Hereditary; Hereditary neoplastic syndrome; Tumor predisposition; Hereditary Cancer Syndrome. Identifiers: Orphanet 140162, MedGen C0027672, MeSH D009386, MONDO:0015356.
Tuberous sclerosis syndrome (TSC). Also called: Tuberous Sclerosis Complex; Tuberous sclerosis. Identifiers: Orphanet 805, MedGen C0041341, MONDO:0001734.
Tuberous sclerosis 2 (TSC2). Identifiers: Orphanet 805, MedGen C1860707, MONDO:0013199, OMIM 613254.

Allele frequency attached by ClinVar (database versions not stated): gnomAD exomes below 0.00001; gnomAD 0.00001.
gnomAD v4.1: 5 of 1,612,720 alleles (0.00031%); highest among the groups gnomAD compares: Non-Finnish European, 0.00042%; no homozygotes.

Submissions (3):

Labcorp Genetics (formerly Invitae), Labcorp
Classification: Benign for Tuberous sclerosis 2. Last evaluated: 2025-11-12. Review status: criteria provided, single submitter. Criteria: Invitae Variant Classification Sherloc (09022015). Collection method: clinical testing. Allele origin: germline.

Ambry Genetics
Classification: Uncertain significance for Hereditary cancer-predisposing syndrome. Last evaluated: 2025-09-26. Review status: criteria provided, single submitter. Criteria: Ambry Variant Classification Scheme 2023. Collection method: clinical testing. Allele origin: germline.
Comment: The p.R1580Q variant (also known as c.4739G>A), located in coding exon 36 of the TSC2 gene, results from a G to A substitution at nucleotide position 4739. The arginine at codon 1580 is replaced by glutamine, an amino acid with highly similar properties. This amino acid position is poorly conserved in available vertebrate species. In addition, the in silico prediction for this alteration is inconclusive. Since supporting evidence is limited at this time, the clinical significance of this alteration remains unclear.

All of Us Research Program, National Institutes of Health
Classification: Uncertain significance for Tuberous sclerosis syndrome. Last evaluated: 2024-03-24. Review status: criteria provided, single submitter. Criteria: ACMG Guidelines, 2015. Collection method: clinical testing. Allele origin: germline. Inheritance: Autosomal dominant inheritance. Observed: 1 variant allele, 1 heterozygote.
Comment: This missense variant replaces arginine with glutamine at codon 1580 of the TSC2 protein. Computational prediction is inconclusive regarding the impact of this variant on protein structure and function (internally defined REVEL score threshold 0.5 < inconclusive < 0.7, PMID: 27666373). To our knowledge, functional studies have not been reported for this variant. This variant has not been reported in individuals affected with TSC2-related disorders in the literature. This variant has been identified in 1/31334 chromosomes in the general population by the Genome Aggregation Database (gnomAD). The available evidence is insufficient to determine the role of this variant in disease conclusively. Therefore, this variant is classified as a Variant of Uncertain Significance.

This study involves interpretation of variants in research participants for the purpose of population health screening. Participant phenotype was not available at the time of variant classification. Additional details can be found in publication PMID: 35346344, PMCID: PMC8962531

NM_000548.5(TSC2):c.4739G>A (p.Arg1580Gln)

Gene: TSC2 (TSC complex subunit 2; plus strand). Cytogenetic location: 16p13.3.
Variant type: single nucleotide variant.
Coding change: c.4739G>A on transcript NM_000548.5 (MANE Select); coding-DNA position 4739, G replaced by A.
Protein change: p.Arg1580Gln; replaces arginine 1580 with glutamine.
Molecular consequence: missense variant.
Genome position (GRCh38, 1-based): chr16:2,086,269, G>A. VCF-style: chr16-2086269-G-A. GRCh37 (hg19) VCF-style: chr16-2136270-G-A.
Other names: c.4538G>A, p.Arg1513Gln (NM_001077183.3); c.4670G>A, p.Arg1557Gln (NM_001114382.3); c.4430G>A, p.Arg1477Gln (NM_001318827.2); c.4394G>A, p.Arg1465Gln (NM_001318829.2); c.4007G>A, p.Arg1336Gln (NM_001318831.2); c.4571G>A, p.Arg1524Gln (NM_001318832.2); c.4541G>A, p.Arg1514Gln (NM_001363528.2); c.4607G>A, p.Arg1536Gln (NM_001370404.1); and 1 more; short protein forms R1336Q, R1465Q, R1524Q, R1536Q, R1477Q, R1513Q, R1557Q, R1514Q.
Identifiers: ClinVar variation 836655 (VCV000836655.12), dbSNP rs1371745883, ClinGen allele CA394307634.
Genomic context (GRCh38, chr16:2,086,269, plus strand): 5'-CCATCCTGTCCAATGAGCATGGCTCCTACAGGTACACGGAGTTCCTGACGGGCCTGGGCC[G>A]GCTCATCGAGCTGAAGGACTGCCAGCCGGACAAGGTGTACCTGGGAGGCCTGGACGTGTG-3'
Protein context (NP_000539.2, residues 1570-1590): RYTEFLTGLG[Arg1580Gln]LIELKDCQPD